The following is an entry in ClinVar:

NM_004793.4(LONP1):c.1554C>G (p.Ile518Met)

Gene: LONP1 (lon peptidase 1, mitochondrial; minus strand). Cytogenetic location: 19p13.3.
Variant type: single nucleotide variant.
Coding change: c.1554C>G on transcript NM_004793.4 (MANE Select); coding-DNA position 1554, C replaced by G.
Protein change: p.Ile518Met; replaces isoleucine 518 with methionine.
Molecular consequence: missense variant. On other transcripts: non-coding transcript variant (1).
Genome position (GRCh38, 1-based): chr19:5,699,158, G>C on the plus strand (C>G on the coding strand, the complement: LONP1 is on the minus strand). VCF-style: chr19-5699158-G-C. GRCh37 (hg19) VCF-style: chr19-5699169-G-C.
Other names: c.1362C>G, p.Ile454Met (NM_001276479.2); c.966C>G, p.Ile322Met (NM_001276480.1); short protein forms I322M, I454M, I518M.
Identifiers: ClinVar variation 2095493 (VCV002095493.4), dbSNP rs755117405, ClinGen allele CA403531077.

ClinVar aggregate classification (germline): Uncertain significance (1 of 4 stars; one submission).

Submission:

Labcorp Genetics (formerly Invitae), Labcorp
Classification: Uncertain significance. Last evaluated: 2022-03-04. Review status: criteria provided, single submitter. Criteria: Invitae Variant Classification Sherloc (09022015). Collection method: clinical testing. Allele origin: germline.
Comment: This variant has not been reported in the literature in individuals affected with LONP1-related conditions. This sequence change replaces isoleucine, which is neutral and non-polar, with methionine, which is neutral and non-polar, at codon 518 of the LONP1 protein (p.Ile518Met). This variant is not present in population databases (gnomAD no frequency). Algorithms developed to predict the effect of missense changes on protein structure and function are either unavailable or do not agree on the potential impact of this missense change (SIFT: "Deleterious"; PolyPhen-2: "Probably Damaging"; Align-GVGD: "Class C0"). In summary, the available evidence is currently insufficient to determine the role of this variant in disease. Therefore, it has been classified as a Variant of Uncertain Significance.